The following is an entry in ClinVar:

NM_015338.6(ASXL1):c.3614A>G (p.Lys1205Arg)

Gene: ASXL1 (ASXL transcriptional regulator 1; plus strand). Cytogenetic location: 20q11.21.
Variant type: single nucleotide variant.
Coding change: c.3614A>G on transcript NM_015338.6 (MANE Select); coding-DNA position 3614, A replaced by G.
Protein change: p.Lys1205Arg; replaces lysine 1205 with arginine.
Molecular consequence: missense variant.
Genome position (GRCh38, 1-based): chr20:32,436,326, A>G. VCF-style: chr20-32436326-A-G. GRCh37 (hg19) VCF-style: chr20-31024129-A-G.
Other names: c.3431A>G, p.Lys1144Arg (NM_001363734.1); short protein forms K1144R, K1205R.
Identifiers: ClinVar variation 4827389 (VCV004827389.1).

ClinVar aggregate classification (germline): Uncertain significance (1 of 4 stars; one submission).

Conditions:
Inborn genetic diseases. Identifiers: MedGen C0950123, MeSH D030342.

Submission:

Ambry Genetics
Classification: Uncertain significance for Inborn genetic diseases. Last evaluated: 2026-02-27. Review status: criteria provided, single submitter. Criteria: Ambry Variant Classification Scheme 2023. Collection method: clinical testing. Allele origin: germline.
Comment: The p.K1205R variant (also known as c.3614A>G), located in coding exon 13 of the ASXL1 gene, results from an A to G substitution at nucleotide position 3614. The lysine at codon 1205 is replaced by arginine, an amino acid with highly similar properties. This amino acid position is conserved. In addition, this alteration is predicted to be tolerated by in silico analysis. Based on the available evidence, the clinical significance of this variant remains unclear.